The following is an entry in ClinVar:

ClinVar aggregate classification (germline): Uncertain significance (1 of 4 stars; one submission).

Conditions:
Hereditary cancer-predisposing syndrome. Also called: Neoplastic Syndromes, Hereditary; Tumor predisposition; Hereditary neoplastic syndrome; Hereditary Cancer Syndrome. Identifiers: Orphanet 140162, MedGen C0027672, MeSH D009386, MONDO:0015356.

Submission:

Ambry Genetics
Classification: Uncertain significance for Hereditary cancer-predisposing syndrome. Last evaluated: 2026-07-06. Review status: criteria provided, single submitter. Criteria: Ambry Variant Classification Scheme 2023. Collection method: clinical testing. Allele origin: germline.
Comment: The p.E186Q variant (also known as c.556G>C), located in coding exon 3 of the PHOX2B gene, results from a G to C substitution at nucleotide position 556. The glutamic acid at codon 186 is replaced by glutamine, an amino acid with highly similar properties. This amino acid position is conserved. In addition, this alteration is predicted to be tolerated by in silico analysis. Based on the available evidence, the clinical significance of this variant remains unclear.

NM_003924.4(PHOX2B):c.556G>C (p.Glu186Gln)

Gene: PHOX2B (paired like homeobox 2B; minus strand). Cytogenetic location: 4p13.
Variant type: single nucleotide variant.
Coding change: c.556G>C on transcript NM_003924.4 (MANE Select); coding-DNA position 556, G replaced by C.
Protein change: p.Glu186Gln; replaces glutamic acid 186 with glutamine.
Molecular consequence: missense variant.
Genome position (GRCh38, 1-based): chr4:41,746,196, C>G on the plus strand (G>C on the coding strand, the complement: PHOX2B is on the minus strand). VCF-style: chr4-41746196-C-G. GRCh37 (hg19) VCF-style: chr4-41748213-C-G.
Other names: short protein forms E186Q.
Identifiers: ClinVar variation 5026560 (VCV005026560.1).
Genomic context (GRCh38, chr4:41,746,196, plus strand): 5'-GGGTGGGGTTGGGATTGGGACCTGGGCCCCCAGTGCTGTCCGGGTCAGTGCTCTTGGCCT[C>G]TTTGCTCTCGTCGTCCCTGGAAGAGTCAGACTTTTTGCCCGAGGAGCCGTTCTTGGCCGC-3'
Protein context (NP_003915.2, residues 176-196): SDSSRDDESK[Glu186Gln]AKSTDPDSTG